The following is an entry in ClinVar:

ClinVar aggregate classification (germline): Uncertain significance. Review status: criteria provided, multiple submitters, no conflicts (2 of 4 stars). 2 submissions from 2 submitters: Uncertain significance (2). Last evaluated 2025-10-31.

Conditions:
Inborn genetic diseases. Identifiers: MedGen C0950123, MeSH D030342.

Allele frequency attached by ClinVar (database versions not stated): gnomAD exomes below 0.00001; TOPMed below 0.00001; ExAC 0.00001.

Submissions (2):

Labcorp Genetics (formerly Invitae), Labcorp
Classification: Uncertain significance. Last evaluated: 2025-10-31. Review status: criteria provided, single submitter. Criteria: Invitae Variant Classification Sherloc (09022015). Collection method: clinical testing. Allele origin: germline.
Comment: This sequence change replaces isoleucine, which is neutral and non-polar, with threonine, which is neutral and polar, at codon 1287 of the SAMD9L protein (p.Ile1287Thr). This variant is present in population databases (rs775475078, gnomAD 0.0009%). This variant has not been reported in the literature in individuals affected with SAMD9L-related conditions. ClinVar contains an entry for this variant (Variation ID: 1925786). Invitae Evidence Modeling of protein sequence and biophysical properties (such as structural, functional, and spatial information, amino acid conservation, physicochemical variation, residue mobility, and thermodynamic stability) indicates that this missense variant is not expected to disrupt SAMD9L protein function with a negative predictive value of 80%. In summary, the available evidence is currently insufficient to determine the role of this variant in disease. Therefore, it has been classified as a Variant of Uncertain Significance.

Ambry Genetics
Classification: Uncertain significance for Inborn genetic diseases. Last evaluated: 2024-11-30. Review status: criteria provided, single submitter. Criteria: Ambry Variant Classification Scheme 2023. Collection method: clinical testing. Allele origin: germline.
Comment: The p.I1287T variant (also known as c.3860T>C), located in coding exon 1 of the SAMD9L gene, results from a T to C substitution at nucleotide position 3860. The isoleucine at codon 1287 is replaced by threonine, an amino acid with similar properties. This amino acid position is conserved. In addition, this alteration is predicted to be tolerated by in silico analysis. Based on the available evidence, the clinical significance of this variant remains unclear.

NM_152703.5(SAMD9L):c.3860T>C (p.Ile1287Thr)

Gene: SAMD9L (sterile alpha motif domain containing 9 like; minus strand). Cytogenetic location: 7q21.2.
Variant type: single nucleotide variant.
Coding change: c.3860T>C on transcript NM_152703.5 (MANE Select); coding-DNA position 3860, T replaced by C.
Protein change: p.Ile1287Thr; replaces isoleucine 1287 with threonine.
Molecular consequence: missense variant.
Genome position (GRCh38, 1-based): chr7:93,132,112, A>G on the plus strand (T>C on the coding strand, the complement: SAMD9L is on the minus strand). VCF-style: chr7-93132112-A-G. GRCh37 (hg19) VCF-style: chr7-92761425-A-G.
Other names: c.3860T>C, p.Ile1287Thr (NM_001303496.3, NM_001303497.3, NM_001303498.3 and 5 more transcripts); c.3860T>C (NM_152703.2); short protein forms I1287T.
Identifiers: ClinVar variation 1925786 (VCV001925786.6), dbSNP rs775475078, ClinGen allele CA4343394.